The following is an entry in ClinVar:

NM_021813.4(BACH2):c.1921T>G (p.Ser641Ala)

Gene: BACH2 (BACH transcriptional regulator 2; minus strand). Cytogenetic location: 6q15.
Variant type: single nucleotide variant.
Coding change: c.1921T>G on transcript NM_021813.4 (MANE Select); coding-DNA position 1921, T replaced by G.
Protein change: p.Ser641Ala; replaces serine 641 with alanine.
Molecular consequence: missense variant.
Genome position (GRCh38, 1-based): chr6:89,938,266, A>C on the plus strand (T>G on the coding strand, the complement: BACH2 is on the minus strand). VCF-style: chr6-89938266-A-C. GRCh37 (hg19) VCF-style: chr6-90647985-A-C.
Other names: c.1921T>G, p.Ser641Ala (NM_001170794.2); short protein forms S641A.
Identifiers: ClinVar variation 1938411 (VCV001938411.5), dbSNP rs147278897, ClinGen allele CA3927895.

ClinVar aggregate classification (germline): Uncertain significance (1 of 4 stars; one submission).

Allele frequency attached by ClinVar (database versions not stated): gnomAD 0.00001; TOPMed 0.00001; ExAC 0.00003; ESP Exome Variant Server 0.00008; gnomAD exomes 0.00008; 1000 Genomes Project 0.00020; 1000 Genomes Project 30x 0.00031.
gnomAD v4.1: 109 of 1,614,192 alleles (0.0068%); highest among the groups gnomAD compares: Non-Finnish European, 0.0092%; no homozygotes.

Submission:

Labcorp Genetics (formerly Invitae), Labcorp
Classification: Uncertain significance. Last evaluated: 2025-06-11. Review status: criteria provided, single submitter. Criteria: Invitae Variant Classification Sherloc (09022015). Collection method: clinical testing. Allele origin: germline.
Comment: This sequence change replaces serine, which is neutral and polar, with alanine, which is neutral and non-polar, at codon 641 of the BACH2 protein (p.Ser641Ala). This variant is present in population databases (rs147278897, gnomAD 0.006%). This variant has not been reported in the literature in individuals affected with BACH2-related conditions. ClinVar contains an entry for this variant (Variation ID: 1938411). Invitae Evidence Modeling of protein sequence and biophysical properties (such as structural, functional, and spatial information, amino acid conservation, physicochemical variation, residue mobility, and thermodynamic stability) indicates that this missense variant is not expected to disrupt BACH2 protein function with a negative predictive value of 80%. In summary, the available evidence is currently insufficient to determine the role of this variant in disease. Therefore, it has been classified as a Variant of Uncertain Significance.